The following is an entry in ClinVar:

ClinVar aggregate classification (germline): Likely pathogenic (1 of 4 stars; one submission).

Submission:

GeneDx
Classification: Likely pathogenic. Last evaluated: 2025-06-11. Review status: criteria provided, single submitter. Criteria: GeneDx Variant Classification Process June 2021. Collection method: clinical testing. Allele origin: germline. Affected: yes.
Comment: Frameshift variant predicted to result in protein truncation or nonsense mediated decay in a gene for which loss of function is a known mechanism of disease; Has not been previously published as pathogenic or benign to our knowledge

NM_138295.5(PKD1L1):c.4581dup (p.Pro1528fs)

Gene: PKD1L1 (polycystin 1 like 1, transient receptor potential channel interacting; minus strand). Cytogenetic location: 7p12.3.
Variant type: Duplication.
Coding change: c.4581dup on transcript NM_138295.5 (MANE Select); coding-DNA position 4581, one base duplicated (T; older notation c.4581dupT).
Protein change: p.Pro1528fs; shifts the reading frame from proline 1528.
Molecular consequence: frameshift variant.
Genome position (GRCh38, 1-based): chr7:47,857,614, A duplicated on the plus strand (T on the coding strand, the reverse complement: PKD1L1 is on the minus strand). VCF-style (leftmost placement, unchanged base first): chr7-47857613-G-GA. GRCh37 (hg19) VCF-style: chr7-47897211-G-GA.
Other names: short protein forms P1528fs.
Identifiers: ClinVar variation 4537929 (VCV004537929.1).
Genomic context (GRCh38, chr7:47,857,613, plus strand): 5'-CTGCAAATTTGAAATGGTCATTAGAAGTGGCAGGTCATCTGTCAGCTTGTACCTGCCCAG[G>GA]AGCTTGGCTCCCTGGATATGGGTTCTTCTTGAAGAGTATGAGCTGGCTAATGTAGCATGG-3'